The following is an entry in ClinVar:

ClinVar aggregate classification (germline): Uncertain significance (1 of 4 stars; one submission).

Allele frequency attached by ClinVar (database versions not stated): ExAC 0.00001; gnomAD 0.00001; gnomAD exomes 0.00001; TOPMed 0.00002; ESP Exome Variant Server 0.00016.

Submission:

GeneDx
Classification: Uncertain significance. Last evaluated: 2020-02-13. Review status: criteria provided, single submitter. Criteria: GeneDx Variant Classification Process June 2021. Collection method: clinical testing. Allele origin: germline. Affected: yes.
Comment: In-silico analysis, which includes splice predictors and evolutionary conservation, is inconclusive as to whether the variant alters gene splicing. In the absence of RNA/functional studies, the actual effect of this sequence change is unknown.; Has not been previously published as pathogenic or benign to our knowledge

NM_006080.3(SEMA3A):c.1141-10_1141-8dup

Gene: SEMA3A (semaphorin 3A; minus strand). Cytogenetic location: 7q21.11.
Variant type: Duplication.
Coding change: c.1141-10_1141-8dup on transcript NM_006080.3 (MANE Select); 10 bases into the intron before coding-DNA position 1141 through 8 bases into the intron before coding-DNA position 1141, 3 bases duplicated (ATC; older notation c.1141-10_1141-8dupATC).
Molecular consequence: intron variant.
Genome position (GRCh38, 1-based): chr7:84,005,566-84,005,568, GAT duplicated on the plus strand (ATC on the coding strand, the reverse complement: SEMA3A is on the minus strand). VCF-style (leftmost placement, unchanged base first): chr7-84005565-A-AGAT. GRCh37 (hg19) VCF-style: chr7-83634881-A-AGAT.
Identifiers: ClinVar variation 1315425 (VCV001315425.2), dbSNP rs757969344, ClinGen allele CA4322817.